The following is an entry in ClinVar:

NM_000179.3(MSH6):c.4060C>G (p.Leu1354Val)

Gene: MSH6 (mutS homolog 6; plus strand). Cytogenetic location: 2p16.3.
Variant type: single nucleotide variant.
Coding change: c.4060C>G on transcript NM_000179.3 (MANE Select); coding-DNA position 4060, C replaced by G.
Protein change: p.Leu1354Val; replaces leucine 1354 with valine.
Molecular consequence: missense variant.
Genome position (GRCh38, 1-based): chr2:47,806,837, C>G. VCF-style: chr2-47806837-C-G. GRCh37 (hg19) VCF-style: chr2-48033976-C-G.
Other names: c.4060C>G (NM_000179.2); c.3670C>G, p.Leu1224Val (NM_001281492.2); c.3154C>G, p.Leu1052Val (NM_001281493.2, NM_001281494.2); short protein forms L1052V, L1224V, L1354V.
Identifiers: ClinVar variation 1059255 (VCV001059255.11), dbSNP rs1057521054, ClinGen allele CA346761737.
Genomic context (GRCh38, chr2:47,806,837, plus strand): 5'-AGGGAAGTTTGCCTGGCTAGTGAAAGGTCAACTGTAGATGCTGAAGCTGTCCATAAATTG[C>G]TGACTTTGATTAAGGAATTATAGACTGACTACATTGGAAGCTTTGAGTTGACTTCTGACA-3'
Protein context (NP_000170.1, residues 1344-1360): TVDAEAVHKL[Leu1354Val]TLIKEL

ClinVar aggregate classification (germline): Uncertain significance. Review status: criteria provided, multiple submitters, no conflicts (2 of 4 stars). 2 submissions from 2 submitters: Uncertain significance (2). Last evaluated 2022-12-23.

Conditions:
Hereditary nonpolyposis colorectal neoplasms. Identifiers: MedGen C0009405, MeSH D003123.
Hereditary cancer-predisposing syndrome. Also called: Neoplastic Syndromes, Hereditary; Hereditary Cancer Syndrome; Hereditary neoplastic syndrome; Tumor predisposition. Identifiers: Orphanet 140162, MedGen C0027672, MeSH D009386, MONDO:0015356.

Submissions (2):

Ambry Genetics
Classification: Uncertain significance for Hereditary cancer-predisposing syndrome. Last evaluated: 2022-12-23. Review status: criteria provided, single submitter. Criteria: Ambry Variant Classification Scheme 2023. Collection method: clinical testing. Allele origin: germline.
Comment: The p.L1354V variant (also known as c.4060C>G), located in coding exon 10 of the MSH6 gene, results from a C to G substitution at nucleotide position 4060. The leucine at codon 1354 is replaced by valine, an amino acid with highly similar properties. This amino acid position is conserved. In addition, the in silico prediction for this alteration is inconclusive. Since supporting evidence is limited at this time, the clinical significance of this alteration remains unclear.

Labcorp Genetics (formerly Invitae), Labcorp
Classification: Uncertain significance for Hereditary nonpolyposis colorectal neoplasms. Last evaluated: 2020-10-28. Review status: criteria provided, single submitter. Criteria: Invitae Variant Classification Sherloc (09022015). Collection method: clinical testing. Allele origin: germline.
Comment: In summary, the available evidence is currently insufficient to determine the role of this variant in disease. Therefore, it has been classified as a Variant of Uncertain Significance. Algorithms developed to predict the effect of sequence changes on RNA splicing suggest that this variant may create or strengthen a splice site, but this prediction has not been confirmed by published transcriptional studies. Advanced modeling of protein sequence and biophysical properties (such as structural, functional, and spatial information, amino acid conservation, physicochemical variation, residue mobility, and thermodynamic stability) performed at Invitae indicates that this missense variant is not expected to disrupt MSH6 protein function. This variant has not been reported in the literature in individuals with MSH6-related conditions. This variant is not present in population databases (ExAC no frequency). This sequence change replaces leucine with valine at codon 1354 of the MSH6 protein (p.Leu1354Val). The leucine residue is weakly conserved and there is a small physicochemical difference between leucine and valine.